The following is an entry in ClinVar:

ClinVar aggregate classification (germline): Uncertain significance. Review status: criteria provided, multiple submitters, no conflicts (2 of 4 stars). 2 submissions from 2 submitters: Uncertain significance (2). Last evaluated 2026-05-11.

Submissions (2):

Women's Health and Genetics/Laboratory Corporation of America, LabCorp
Classification: Uncertain significance. Last evaluated: 2026-05-11. Review status: criteria provided, single submitter. Criteria: LabCorp Variant Classification Summary - May 2015. Collection method: clinical testing. Allele origin: germline.
Comment: Variant summary: SOS1 c.573_575delAGA (p.Glu192del) results in an in-frame deletion that is predicted to remove 1 amino acid from the encoded protein. The variant was absent in 31388 control chromosomes. The available data on variant occurrences in the general population are insufficient to allow any conclusion about variant significance. To our knowledge, no occurrence of c.573_575delAGA in individuals affected with SOS1-related conditions and no experimental evidence demonstrating its impact on protein function have been reported. ClinVar contains an entry for this variant (Variation ID: 3342344). Based on the evidence outlined above, the variant was classified as uncertain significance.

GeneDx
Classification: Uncertain significance. Last evaluated: 2023-10-02. Review status: criteria provided, single submitter. Criteria: GeneDx Variant Classification Process June 2021. Collection method: clinical testing. Allele origin: germline. Affected: yes.
Comment: Not observed at significant frequency in large population cohorts (gnomAD); In-frame deletion of one amino acid in a non-repeat region; In silico analysis supports a deleterious effect on protein structure/function; Has not been previously published as pathogenic or benign to our knowledge; This variant is associated with the following publications: (PMID: 29493581)

NM_005633.4(SOS1):c.573_575del (p.Glu192del)

Gene: SOS1 (SOS Ras/Rac guanine nucleotide exchange factor 1; minus strand). Cytogenetic location: 2p22.1.
Variant type: Deletion.
Coding change: c.573_575del on transcript NM_005633.4 (MANE Select); coding-DNA positions 573 to 575, 3 bases deleted (AGA; older notation c.573_575delAGA).
Protein change: p.Glu192del; deletes glutamic acid 192.
Molecular consequence: inframe deletion. On other transcripts: inframe indel (1).
Genome position (GRCh38, 1-based): chr2:39,054,759-39,054,761, TCT deleted on the plus strand (AGA on the coding strand, the reverse complement: SOS1 is on the minus strand); deleting any 3 consecutive bases within chr2:39,054,759-39,054,763 gives the same sequence; the c. name uses the placement nearest the transcript's 3' end. VCF-style (leftmost placement, unchanged base first): chr2-39054758-CTCT-C. GRCh37 (hg19) VCF-style: chr2-39281899-CTCT-C.
Other names: c.552_554del, p.Glu185del (NM_001382394.1); c.573_575del, p.Glu192del (NM_001382395.1); c.571_573delGAA, p.Glu192del (NM_005633.3); c.573_575delAGA (NM_005633.4); short protein forms E185del, E192del.
Identifiers: ClinVar variation 3342344 (VCV003342344.2).